The following is an entry in ClinVar:

NM_001256317.3(TMPRSS3):c.151A>G (p.Ile51Val)

Gene: TMPRSS3 (transmembrane serine protease 3; minus strand). Cytogenetic location: 21q22.3.
Variant type: single nucleotide variant.
Coding change: c.151A>G on transcript NM_001256317.3 (MANE Select); coding-DNA position 151, A replaced by G.
Protein change: p.Ile51Val; replaces isoleucine 51 with valine.
Molecular consequence: missense variant.
Genome position (GRCh38, 1-based): chr21:42,389,981, T>C on the plus strand (A>G on the coding strand, the complement: TMPRSS3 is on the minus strand). VCF-style: chr21-42389981-T-C. GRCh37 (hg19) VCF-style: chr21-43810090-T-C.
Other names: c.151A>G, p.Ile51Val (NM_024022.4, NM_032405.2); short protein forms I51V.
Identifiers: ClinVar variation 3378029 (VCV003378029.1).

ClinVar aggregate classification (germline): Uncertain significance (1 of 4 stars; one submission).

gnomAD v4.1: 15 of 1,613,994 alleles (0.00093%); highest among the groups gnomAD compares: African/African-American, 0.0027%; no homozygotes.

Submission:

GeneDx
Classification: Uncertain significance. Last evaluated: 2024-05-14. Review status: criteria provided, single submitter. Criteria: GeneDx Variant Classification Process June 2021. Collection method: clinical testing. Allele origin: germline. Affected: yes.
Comment: Not observed at significant frequency in large population cohorts (gnomAD); In silico analysis indicates that this missense variant does not alter protein structure/function; Has not been previously published as pathogenic or benign to our knowledge